The following is an entry in ClinVar:

NM_000169.3(GLA):c.1095del (p.Ser364_Tyr365insTer)

Genes: GLA (galactosidase alpha; minus strand), RPL36A-HNRNPH2 (RPL36A-HNRNPH2 readthrough; plus strand). Cytogenetic location: Xq22.1.
Variant type: Deletion.
Coding change: c.1095del on transcript NM_000169.3 (MANE Select); coding-DNA position 1095, one base deleted (T; older notation c.1095delT).
Protein change: p.Ser364_Tyr365insTer.
Molecular consequence: nonsense. On other transcripts: non-coding transcript variant (3), intron variant (2).
Genome position (GRCh38, 1-based): chrX:101,398,004, A deleted on the plus strand (T on the coding strand, the reverse complement: GLA is on the minus strand). VCF-style (leftmost placement, unchanged base first): chrX-101398003-TA-T. GRCh37 (hg19) VCF-style: chrX-100652991-TA-T.
Other names: c.1218del, p.Ser405_Tyr406insTer (NM_001406747.1); c.300+2547del (NM_001199973.2); c.177+6182del (NM_001199974.2).
Identifiers: ClinVar variation 4087195 (VCV004087195.2).
Genomic context (GRCh38, chrX:101,398,003, plus strand): 5'-GTGTGATGAAGCAGGCAGGATTACAGGCCACTCCTTTACCCAGGGAAGCAACTGCGATGG[TA>T]TAAGAGCGAGGTCCACCAATCTCCTGCCGGTTTATCATAGCTACAGCCCAGGCTAAGCCT-3'

ClinVar aggregate classification (germline): Pathogenic (1 of 4 stars; one submission).

Conditions:
Fabry disease. Also called: ALPHA-GALACTOSIDASE A DEFICIENCY; ANDERSON-FABRY DISEASE; CERAMIDE TRIHEXOSIDASE DEFICIENCY; GLA DEFICIENCY; HEREDITARY DYSTOPIC LIPIDOSIS; Angiokeratoma corporis diffusum. Identifiers: Orphanet 324, MedGen C0002986, MONDO:0010526, OMIM 301500, HP:0001071. Disease mechanism: Fabry disease is due to inactivating mutations in the X-linked GLA gene resulting in deficiency of the enzyme Alpha Galactosidase-A., loss of function.

Submission:

Genomenon, Inc
Classification: Pathogenic for Fabry disease. Last evaluated: 2026-09-08. Review status: criteria provided, single submitter. Criteria: Genomenon Sequence Variant Interpretation Standards - Updated. Collection method: curation. Allele origin: germline. Affected: yes.
Comment: GLA p.Tyr365Ter (c.1095del) is a nonsense variant that introduces a premature stop codon at amino acid position 365 and is predicted to result in a truncated or absent protein product. This variant has been observed in at least one proband with clinical features consistent with Fabry disease (PMID:22551898;25955246;25085675). It is absent or not present at a significant frequency in gnomAD. In conclusion, we classify GLA p.Tyr365Ter (c.1095del) as a pathogenic variant.

Literature cited by the submitters: PubMed 22551898; PubMed 25955246; PubMed 25085675.